The following is an entry in ClinVar:

NM_001128225.3(SLC39A13):c.1041-15G>A

Gene: SLC39A13 (solute carrier family 39 member 13; plus strand). Cytogenetic location: 11p11.2.
Variant type: single nucleotide variant.
Coding change: c.1041-15G>A on transcript NM_001128225.3 (MANE Select); 15 bases into the intron before coding-DNA position 1041, G replaced by A.
Molecular consequence: intron variant.
Genome position (GRCh38, 1-based): chr11:47,415,273, G>A. VCF-style: chr11-47415273-G-A. GRCh37 (hg19) VCF-style: chr11-47436824-G-A.
Other names: c.1020-15G>A (NM_152264.5); c.*38-15G>A (NM_001330245.2).
Identifiers: ClinVar variation 681139 (VCV000681139.7), dbSNP rs762412348, ClinGen allele CA5976048.
Genomic context (GRCh38, chr11:47,415,273, plus strand): 5'-CAGGAGGGAAGGGCTCCTGGCCGCTGCCTGCTCCCCCTGCCCATGCCTCCACCGTGAGCC[G>A]TTCCCTCCCCACAGGCGCTCCCTGCAGCAGCTGCTTCTGCTCTGTGCGGGCATCGTGGTA-3'

ClinVar aggregate classification (germline): Likely benign. Review status: criteria provided, multiple submitters, no conflicts (2 of 4 stars). 3 submissions from 3 submitters: Likely benign (3). Last evaluated 2024-07-30.

Conditions:
Ehlers-Danlos syndrome, spondylodysplastic type, 3. Also called: Ehlers-Danlos syndrome, spondylocheirodysplastic type. Identifiers: Orphanet 157965, MedGen C2676510, MONDO:0012873, OMIM 612350.

Allele frequency attached by ClinVar (database versions not stated): ExAC 0.00001; gnomAD exomes 0.00002; gnomAD 0.00003 and 0.00004; TOPMed 0.00003.
gnomAD v4.1: 36 of 1,613,702 alleles (0.0022%); highest among the groups gnomAD compares: Middle Eastern, 0.25%; 1 homozygote.

Submissions (3):

Labcorp Genetics (formerly Invitae), Labcorp
Classification: Likely benign for Ehlers-Danlos syndrome, spondylodysplastic type, 3. Last evaluated: 2024-07-30. Review status: criteria provided, single submitter. Criteria: Invitae Variant Classification Sherloc (09022015). Collection method: clinical testing. Allele origin: germline.

Blueprint Genetics
Classification: Likely benign. Last evaluated: 2021-07-30. Review status: criteria provided, single submitter. Criteria: ACMG Guidelines, 2015. Collection method: clinical testing. Allele origin: germline.

GeneDx
Classification: Likely benign. Last evaluated: 2018-03-28. Review status: criteria provided, single submitter. Criteria: GeneDx Variant Classification (06012015). Collection method: clinical testing. Allele origin: germline. Affected: yes.
Comment: This variant is considered likely benign or benign based on one or more of the following criteria: it is a conservative change, it occurs at a poorly conserved position in the protein, it is predicted to be benign by multiple in silico algorithms, and/or has population frequency not consistent with disease.